The following is an entry in ClinVar:

ClinVar aggregate classification (germline): Uncertain significance (1 of 4 stars; one submission).

Conditions:
Hypertrophic cardiomyopathy 26. Also called: Cardiomyopathy, familial hypertrophic, 26. Identifiers: Orphanet 75249, MedGen C4310749, MONDO:0014883, OMIM 617047.
Myofibrillar myopathy 5. Also called: Filaminopathy (type); FILAMINOPATHY, AUTOSOMAL DOMINANT. Identifiers: Orphanet 171445, MedGen C1836050, MONDO:0012289, OMIM 609524.
Distal myopathy with posterior leg and anterior hand involvement. Also called: WILLIAMS DISTAL MYOPATHY. Identifiers: Orphanet 63273, MedGen C3279722, MONDO:0013550, OMIM 614065.

Submission:

Labcorp Genetics (formerly Invitae), Labcorp
Classification: Uncertain significance for Distal myopathy with posterior leg and anterior hand involvement; Myofibrillar myopathy 5; Hypertrophic cardiomyopathy 26. Last evaluated: 2023-06-17. Review status: criteria provided, single submitter. Criteria: Invitae Variant Classification Sherloc (09022015). Collection method: clinical testing. Allele origin: germline.
Comment: In summary, the available evidence is currently insufficient to determine the role of this variant in disease. Therefore, it has been classified as a Variant of Uncertain Significance. Advanced modeling of protein sequence and biophysical properties (such as structural, functional, and spatial information, amino acid conservation, physicochemical variation, residue mobility, and thermodynamic stability) has been performed at Invitae for this missense variant, however the output from this modeling did not meet the statistical confidence thresholds required to predict the impact of this variant on FLNC protein function. This variant has not been reported in the literature in individuals affected with FLNC-related conditions. This variant is not present in population databases (gnomAD no frequency). This sequence change replaces arginine, which is basic and polar, with serine, which is neutral and polar, at codon 1008 of the FLNC protein (p.Arg1008Ser).

NM_001458.5(FLNC):c.3022C>A (p.Arg1008Ser)

Gene: FLNC (filamin C; plus strand). Cytogenetic location: 7q32.1.
Variant type: single nucleotide variant.
Coding change: c.3022C>A on transcript NM_001458.5 (MANE Select); coding-DNA position 3022, C replaced by A.
Protein change: p.Arg1008Ser; replaces arginine 1008 with serine.
Molecular consequence: missense variant.
Genome position (GRCh38, 1-based): chr7:128,844,096, C>A. VCF-style: chr7-128844096-C-A. GRCh37 (hg19) VCF-style: chr7-128484150-C-A.
Other names: c.3022C>A, p.Arg1008Ser (NM_001127487.2); short protein forms R1008S.
Identifiers: ClinVar variation 2948969 (VCV002948969.3), dbSNP rs757969015, ClinGen allele CA369193988.